The following is an entry in ClinVar:

ClinVar aggregate classification (germline): Uncertain significance. Review status: reviewed by expert panel (3 of 4 stars). 6 submissions from 6 submitters: Uncertain significance (1). 5 of the submissions do not count toward it. Last evaluated 2024-05-01.

Conditions:
Recombinase activating gene 2 deficiency. Also called: RAG2 deficiency. Identifiers: MedGen CN257931, MONDO:0000573.
Histiocytic medullary reticulosis. Also called: SEVERE COMBINED IMMUNODEFICIENCY WITH HYPEREOSINOPHILIA; Omenn syndrome. Identifiers: Orphanet 39041, MedGen C2700553, MONDO:0011338, OMIM 603554.
Severe combined immunodeficiency, autosomal recessive, T cell-negative, B cell-negative, NK cell-positive. Also called: SCID, T CELL-NEGATIVE, B CELL-NEGATIVE, NK CELL-POSITIVE; SCID, AR, T-cell negative, B-cell negative, NK cell-positive; Severe combined immunodeficiency due to complete RAG1/2 deficiency. Identifiers: Orphanet 331206, MedGen C1832322, MONDO:0011086, OMIM 601457.
Combined immunodeficiency with skin granulomas. Identifiers: Orphanet 157949, MedGen C2673536, MONDO:0009306, OMIM 233650.

Allele frequency attached by ClinVar (database versions not stated): ExAC 0.00007; gnomAD exomes 0.00013; ESP Exome Variant Server 0.00015; TOPMed 0.00016; gnomAD 0.00017 and 0.00019.
gnomAD v4.1: 402 of 1,609,856 alleles (0.025%); highest among the groups gnomAD compares: Non-Finnish European, 0.033%; no homozygotes.

Submissions (6):

ClinGen Severe Combined Immunodeficiency Variant Curation Expert Panel, ClinGen
Classification: Uncertain significance for Recombinase activating gene 2 deficiency. Last evaluated: 2024-05-01. Review status: reviewed by expert panel. Criteria: ClinGen SCID ACMG Specifications RAG2 V1.0.0. Collection method: curation. Allele origin: germline. Inheritance: Autosomal recessive inheritance.
Comment: NM_000536.4(RAG2):c.14T>A is a missense variant predicted to cause substitution of Methionine by Lysine at amino acid 5 (p.Met5Lys). This missense variant is located in the core domain (amino acids 1-383) (PM1_supporting).The highest population minor allele frequency in gnomAD v4 is 0.0003307 (389/1176246) in European (non-Finnish) population (PM2_Supporting, BS1, and BA1 are not met). To our knowledge, this variant has not been reported in the literature in individuals affected with RAG2 related conditions or in functional studies. In summary, this variant meets the criteria to be classified as a variant of uncertain significance for autosomal recessive severe combined immunodeficiency due to RAG2 deficiency based on the ACMG/AMP criteria applied, as specified by the ClinGen SCID VCEP: PM1_supporting (VCEP specifications version 1).

ARUP Laboratories, Molecular Genetics and Genomics, ARUP Laboratories
Classification: Uncertain significance. Last evaluated: 2025-03-07. Review status: criteria provided, single submitter. Criteria: ARUP Molecular Germline Variant Investigation Process 2024. Collection method: clinical testing. Allele origin: germline. Not counted in ClinVar's aggregate classification.
Comment: The RAG2 c.14T>A; p.Met5Lys variant (rs143415103), to our knowledge, is not reported in the medical literature but is reported in ClinVar (Variation ID: 304560). This variant is found primarily in the non-Finnish European population with an allele frequency of 0.03% (36/127,532 alleles) in the Genome Aggregation Database (v2.1.1). Computational analyses are uncertain whether this variant is neutral or deleterious (REVEL: 0.546). Due to limited information, the clinical significance of this variant is uncertain at this time.

Labcorp Genetics (formerly Invitae), Labcorp
Classification: Uncertain significance for Combined immunodeficiency with skin granulomas; Severe combined immunodeficiency, autosomal recessive, T cell-negative, B cell-negative, NK cell-positive. Last evaluated: 2022-08-16. Review status: criteria provided, single submitter. Criteria: Invitae Variant Classification Sherloc (09022015). Collection method: clinical testing. Allele origin: germline. Not counted in ClinVar's aggregate classification.
Comment: This sequence change replaces methionine, which is neutral and non-polar, with lysine, which is basic and polar, at codon 5 of the RAG2 protein (p.Met5Lys). This variant is present in population databases (rs143415103, gnomAD 0.03%). This variant has not been reported in the literature in individuals affected with RAG2-related conditions. ClinVar contains an entry for this variant (Variation ID: 304560). Advanced modeling of protein sequence and biophysical properties (such as structural, functional, and spatial information, amino acid conservation, physicochemical variation, residue mobility, and thermodynamic stability) performed at Invitae indicates that this missense variant is expected to disrupt RAG2 protein function. Algorithms developed to predict the effect of sequence changes on RNA splicing suggest that this variant may create or strengthen a splice site. In summary, the available evidence is currently insufficient to determine the role of this variant in disease. Therefore, it has been classified as a Variant of Uncertain Significance.

Natera, Inc.
Classification: Uncertain significance for Omenn syndrome. Last evaluated: 2020-03-11. Review status: no assertion criteria provided. Collection method: clinical testing. Allele origin: germline. Not counted in ClinVar's aggregate classification.

Clinical Genetics DNA and cytogenetics Diagnostics Lab, Erasmus MC, Erasmus Medical Center
Classification: Uncertain significance. Review status: no assertion criteria provided. Collection method: clinical testing. Allele origin: germline. Affected: yes. Study: VKGL Data-share Consensus. Not counted in ClinVar's aggregate classification.

Diagnostic Laboratory, Department of Genetics, University Medical Center Groningen
Classification: Uncertain significance. Review status: no assertion criteria provided. Collection method: clinical testing. Allele origin: germline. Affected: yes. Study: VKGL Data-share Consensus. Not counted in ClinVar's aggregate classification.

NM_000536.4(RAG2):c.14T>A (p.Met5Lys)

Gene: RAG2 (recombination activating 2; minus strand). Cytogenetic location: 11p12.
Variant type: single nucleotide variant.
Coding change: c.14T>A on transcript NM_000536.4 (MANE Select); coding-DNA position 14, T replaced by A.
Protein change: p.Met5Lys; replaces methionine 5 with lysine.
Molecular consequence: missense variant.
Genome position (GRCh38, 1-based): chr11:36,594,155, A>T on the plus strand (T>A on the coding strand, the complement: RAG2 is on the minus strand). VCF-style: chr11-36594155-A-T. GRCh37 (hg19) VCF-style: chr11-36615705-A-T.
Other names: NM_000536.4(RAG2):c.14T>A; p.Met5Lys; c.14T>A, p.Met5Lys (NM_001243785.2, NM_001243786.2); short protein forms M5K.
Identifiers: ClinVar variation 304560 (VCV000304560.51), dbSNP rs143415103, ClinGen allele CA5950635.